The following is an entry in ClinVar:

NM_001127208.3(TET2):c.2501G>A (p.Cys834Tyr)

Genes: TET2 (tet methylcytosine dioxygenase 2; plus strand), TET2-AS1 (TET2 antisense RNA 1; minus strand). Cytogenetic location: 4q24.
Variant type: single nucleotide variant.
Coding change: c.2501G>A on transcript NM_001127208.3 (MANE Select); coding-DNA position 2501, G replaced by A.
Protein change: p.Cys834Tyr; replaces cysteine 834 with tyrosine.
Molecular consequence: missense variant.
Genome position (GRCh38, 1-based): chr4:105,236,443, G>A. VCF-style: chr4-105236443-G-A. GRCh37 (hg19) VCF-style: chr4-106157600-G-A.
Other names: c.2501G>A, p.Cys834Tyr (NM_017628.4); short protein forms C834Y.
Identifiers: ClinVar variation 3455333 (VCV003455333.1).

ClinVar aggregate classification (germline): Uncertain significance (1 of 4 stars; one submission).

gnomAD v4.1: 25 of 1,614,026 alleles (0.0015%); highest among the groups gnomAD compares: Non-Finnish European, 0.002%; no homozygotes.

Submission:

Ambry Genetics
Classification: Uncertain significance. Last evaluated: 2024-11-25. Review status: criteria provided, single submitter. Criteria: Ambry Variant Classification Scheme 2023. Collection method: clinical testing. Allele origin: germline.
Comment: The p.C834Y variant (also known as c.2501G>A), located in coding exon 1 of the TET2 gene, results from a G to A substitution at nucleotide position 2501. The cysteine at codon 834 is replaced by tyrosine, an amino acid with highly dissimilar properties. This amino acid position is conserved. In addition, this alteration is predicted to be tolerated by in silico analysis. Based on the available evidence, the clinical significance of this variant remains unclear.